The following is an entry in ClinVar:

NM_000824.5(GLRB):c.1198-1G>A

Gene: GLRB (glycine receptor beta; plus strand). Cytogenetic location: 4q32.1.
Variant type: single nucleotide variant.
Coding change: c.1198-1G>A on transcript NM_000824.5 (MANE Select); the canonical splice acceptor site of the intron before coding-DNA position 1198, G replaced by A.
Molecular consequence: splice acceptor variant.
Genome position (GRCh38, 1-based): chr4:157,170,431, G>A. VCF-style: chr4-157170431-G-A. GRCh37 (hg19) VCF-style: chr4-158091583-G-A.
Other names: c.905-1G>A (NM_001166061.2); c.1198-1G>A (NM_001166060.2).
Identifiers: ClinVar variation 2064166 (VCV002064166.4), dbSNP rs754290626, ClinGen allele CA3119978.

ClinVar aggregate classification (germline): Uncertain significance (1 of 4 stars; one submission).

Conditions:
Hyperekplexia 2 (HKPX2). Identifiers: Orphanet 3197, MedGen C3553291, MONDO:0013828, OMIM 614619.

Allele frequency attached by ClinVar (database versions not stated): gnomAD exomes below 0.00001; ExAC 0.00002.
gnomAD v4.1: 5 of 1,553,770 alleles (0.00032%); highest among the groups gnomAD compares: Non-Finnish European, 0.00044%; no homozygotes.

Submission:

Labcorp Genetics (formerly Invitae), Labcorp
Classification: Uncertain significance for Hyperekplexia 2. Last evaluated: 2022-07-20. Review status: criteria provided, single submitter. Criteria: Invitae Variant Classification Sherloc (09022015). Collection method: clinical testing. Allele origin: germline.
Comment: In summary, the available evidence is currently insufficient to determine the role of this variant in disease. Therefore, it has been classified as a Variant of Uncertain Significance. Variants that disrupt the consensus splice site are a relatively common cause of aberrant splicing (PMID: 17576681, 9536098). Algorithms developed to predict the effect of sequence changes on RNA splicing suggest that this variant may disrupt the consensus splice site. This variant has not been reported in the literature in individuals affected with GLRB-related conditions. This variant is present in population databases (rs754290626, gnomAD 0.002%). This sequence change affects an acceptor splice site in intron 9 of the GLRB gene. While this variant is not anticipated to result in nonsense mediated decay, it likely alters RNA splicing and results in a disrupted protein product.

Literature cited by the submitters: PubMed 17576681; PubMed 9536098.